The following is an entry in ClinVar:

ClinVar aggregate classification (germline): Uncertain significance (1 of 4 stars; one submission).

Conditions:
NCOR1-related disorder. Also called: NCOR1-related condition.

Submission:

PreventionGenetics, part of Exact Sciences
Classification: Uncertain significance for NCOR1-related condition. Last evaluated: 2026-07-27. Review status: criteria provided, single submitter. Criteria: ACMG Guidelines, 2015. Collection method: clinical testing. Allele origin: germline.
Comment: The NCOR1 c.6571_6573dupTTG variant is predicted to result in an in-frame duplication (p.Leu2191dup). To our knowledge, this variant has not been reported in the literature or in a large population database (gnomAD), indicating this variant is rare. At this time, the clinical significance of this variant is uncertain due to the absence of conclusive functional and genetic evidence.

NM_006311.4(NCOR1):c.6571_6573dup (p.Leu2191_Pro2192insLeu)

Gene: NCOR1 (nuclear receptor corepressor 1; minus strand). Cytogenetic location: 17p12.
Variant type: Duplication.
Coding change: c.6571_6573dup on transcript NM_006311.4 (MANE Select); coding-DNA positions 6571 to 6573, 3 bases duplicated (TTG; older notation c.6571_6573dupTTG).
Protein change: p.Leu2191_Pro2192insLeu.
Molecular consequence: inframe insertion.
Genome position (GRCh38, 1-based): chr17:16,047,057-16,047,059, CAA duplicated on the plus strand (TTG on the coding strand, the reverse complement: NCOR1 is on the minus strand). VCF-style (leftmost placement, unchanged base first): chr17-16047056-G-GCAA. GRCh37 (hg19) VCF-style: chr17-15950370-G-GCAA.
Other names: c.6262_6264dup, p.Leu2088_Pro2089insLeu (NM_001190440.2); c.6793_6795dup, p.Leu2265_Pro2266insLeu (NM_001439111.1); c.6649_6651dup, p.Leu2217_Pro2218insLeu (NM_001439112.1); c.6643_6645dup, p.Leu2215_Pro2216insLeu (NM_001439113.1); c.6622_6624dup, p.Leu2208_Pro2209insLeu (NM_001439114.1); c.6619_6621dup, p.Leu2207_Pro2208insLeu (NM_001439115.1); c.6574_6576dup, p.Leu2192_Pro2193insLeu (NM_001439116.1).
Identifiers: ClinVar variation 4991829 (VCV004991829.1).